The following is an entry in ClinVar:

NM_000195.5(HPS1):c.2081C>T (p.Ala694Val)

Gene: HPS1 (HPS1 biogenesis of lysosomal organelles complex 3 subunit 1; minus strand). Cytogenetic location: 10q24.2.
Variant type: single nucleotide variant.
Coding change: c.2081C>T on transcript NM_000195.5 (MANE Select); coding-DNA position 2081, C replaced by T.
Protein change: p.Ala694Val; replaces alanine 694 with valine.
Molecular consequence: missense variant.
Genome position (GRCh38, 1-based): chr10:98,417,586, G>A on the plus strand (C>T on the coding strand, the complement: HPS1 is on the minus strand). VCF-style: chr10-98417586-G-A. GRCh37 (hg19) VCF-style: chr10-100177343-G-A.
Other names: c.1109C>T, p.Ala370Val (NM_001311345.2, NM_001322487.2, NM_001322489.2); c.2081C>T, p.Ala694Val (NM_001322476.2, NM_001322477.2); c.1982C>T, p.Ala661Val (NM_001322478.2, NM_001322479.2); c.1820C>T, p.Ala607Val (NM_001322480.2, NM_001322481.2); c.1721C>T, p.Ala574Val (NM_001322482.2); c.1712C>T, p.Ala571Val (NM_001322483.2, NM_001322484.2); c.1613C>T, p.Ala538Val (NM_001322485.2); short protein forms A370V, A607V, A574V, A661V, A538V, A571V, A694V.
Identifiers: ClinVar variation 1521691 (VCV001521691.3), dbSNP rs763939097, ClinGen allele CA5638789.
Genomic context (GRCh38, chr10:98,417,586, plus strand): 5'-GAGGACAGGATGCAAAGGCAGACTGCGGCCACCTTGGCCTAGAGCAGGGGGATACGGGAG[G>A]CCTCCCAGAGGCGCCGGGCCAGCTGGCCGGCCTGCTGCACCAGCAGGTCAGTGGGGATGA-3'
Protein context (NP_000186.2, residues 684-700): AGQLARRLWE[Ala694Val]SRIPLL

ClinVar aggregate classification (germline): Uncertain significance (1 of 4 stars; one submission).

Allele frequency attached by ClinVar (database versions not stated): gnomAD 0.00001; gnomAD exomes 0.00001; ExAC 0.00001.
gnomAD v4.1: 12 of 1,611,590 alleles (0.00074%); highest among the groups gnomAD compares: Non-Finnish European, 0.001%; no homozygotes.

Submission:

Labcorp Genetics (formerly Invitae), Labcorp
Classification: Uncertain significance. Last evaluated: 2021-12-09. Review status: criteria provided, single submitter. Criteria: Invitae Variant Classification Sherloc (09022015). Collection method: clinical testing. Allele origin: germline.
Comment: This sequence change replaces alanine, which is neutral and non-polar, with valine, which is neutral and non-polar, at codon 694 of the HPS1 protein (p.Ala694Val). This variant is present in population databases (rs763939097, gnomAD 0.003%). This variant has not been reported in the literature in individuals affected with HPS1-related conditions. Algorithms developed to predict the effect of missense changes on protein structure and function (SIFT, PolyPhen-2, Align-GVGD) all suggest that this variant is likely to be tolerated. In summary, the available evidence is currently insufficient to determine the role of this variant in disease. Therefore, it has been classified as a Variant of Uncertain Significance.